The following is an entry in ClinVar:

NM_000824.5(GLRB):c.*84G>A

Gene: GLRB (glycine receptor beta; plus strand). Cytogenetic location: 4q32.1.
Variant type: single nucleotide variant.
Coding change: c.*84G>A on transcript NM_000824.5 (MANE Select); 84 bases downstream of the stop codon, G replaced by A.
Molecular consequence: 3 prime UTR variant.
Genome position (GRCh38, 1-based): chr4:157,170,812, G>A. VCF-style: chr4-157170812-G-A. GRCh37 (hg19) VCF-style: chr4-158091964-G-A.
Other names: c.*84G>A (NM_001166060.2); c.*373G>A (NM_001166061.2).
Identifiers: ClinVar variation 347930 (VCV000347930.6), dbSNP rs139743350, ClinGen allele CA10620333.

ClinVar aggregate classification (germline): Benign. Review status: criteria provided, multiple submitters, no conflicts (2 of 4 stars). 2 submissions from 2 submitters: Benign (2). Last evaluated 2018-01-12.

Conditions:
Hyperekplexia 2 (HKPX2). Identifiers: Orphanet 3197, MedGen C3553291, MONDO:0013828, OMIM 614619.

Allele frequency attached by ClinVar (database versions not stated): 1000 Genomes Project 0.00280; 1000 Genomes Project 30x 0.00375; gnomAD 0.00426 and 0.00427; TOPMed 0.00467.
gnomAD v4.1: 4,496 of 755,980 alleles (0.59%); highest among the groups gnomAD compares: Non-Finnish European, 0.75%; 25 homozygotes.

Submissions (2):

Illumina Laboratory Services, Illumina
Classification: Benign for Hyperekplexia 2. Last evaluated: 2018-01-12. Review status: criteria provided, single submitter. Criteria: ICSL Variant Classification Criteria 13 December 2019. Collection method: clinical testing. Allele origin: germline.
Comment: This variant was observed in the ICSL laboratory as part of a predisposition screen in an ostensibly healthy population. It had not been previously curated by ICSL or reported in the Human Gene Mutation Database (HGMD: prior to June 1st, 2018), and was therefore a candidate for classification through an automated scoring system. Utilizing variant allele frequency, disease prevalence and penetrance estimates, and inheritance mode, an automated score was calculated to assess if this variant is too frequent to cause the disease. Based on the score and internal cut-off values, a variant classified as benign is not then subjected to further curation. The score for this variant resulted in a classification of benign for this disease.

Breakthrough Genomics
Classification: Benign. Review status: criteria provided, single submitter. Criteria: ACMG Guidelines, 2015. Collection method: not provided. Allele origin: germline. Inheritance: Autosomal recessive inheritance. Affected: yes.